The following is an entry in ClinVar:

ClinVar aggregate classification (germline): Benign/Likely benign. Review status: criteria provided, multiple submitters, no conflicts (2 of 4 stars). 9 submissions from 9 submitters: Benign (2); Likely benign (5). 2 of the submissions do not count toward it. Last evaluated 2026-02-04.

Conditions:
COL7A1-related disorder. Also called: COL7A1- related disorders; COL7A1-related condition.
Epidermolysis bullosa dystrophica inversa, autosomal recessive. Identifiers: MedGen C2673612.
Recessive dystrophic epidermolysis bullosa (RDEB). Also called: Epidermolysis Bullosa Distrophica Autosomal Recessive (RDEB); severe generalized recessive dystrophic epidermolysis bullosa; EPIDERMOLYSIS BULLOSA DYSTROPHICA, GENERALIZED SEVERE, AUTOSOMAL RECESSIVE; DYSTROPHIC EPIDERMOLYSIS BULLOSA, AUTOSOMAL RECESSIVE; EPIDERMOLYSIS BULLOSA DYSTROPHICA, HALLOPEAU-SIEMENS TYPE; Recessive DEB (RDEB). Identifiers: Orphanet 79408, Orphanet 79409, MedGen C0079474, MONDO:0009179, OMIM 226600.
Epidermolysis bullosa pruriginosa. Also called: DEB, PRURIGINOSA; DYSTROPHIC EPIDERMOLYSIS BULLOSA PRURIGINOSA. Identifiers: Orphanet 89843, MedGen C1275114, MONDO:0011398, OMIM 604129.
Generalized dominant dystrophic epidermolysis bullosa (DDEB). Also called: DDEB, generalized; DDEB-gen; DYSTROPHIC EPIDERMOLYSIS BULLOSA, AUTOSOMAL DOMINANT; Epidermolysis bullosa dystrophica, autosomal dominant; Dominant DEB (DDEB). Identifiers: Orphanet 231568, MedGen C0432322, MONDO:0007549, OMIM 131750.
Pretibial dystrophic epidermolysis bullosa. Also called: EPIDERMOLYSIS BULLOSA DYSTROPHICA, PRETIBIAL; Pretibial blistering; Pretibial epidermolysis bullosa. Identifiers: Orphanet 79410, MedGen C0432321, MONDO:0007552, OMIM 131850, HP:0012221.
Dominant dystrophic epidermolysis bullosa with absence of skin. Also called: EPIDERMOLYSIS BULLOSA DYSTROPHICA, BART TYPE; EPIDERMOLYSIS BULLOSA WITH CONGENITAL LOCALIZED ABSENCE OF SKIN AND DEFORMITY OF NAILS. Identifiers: MedGen C0268371, MONDO:0007557, OMIM 132000.
Nonsyndromic congenital nail disorder 8. Also called: TOENAIL DYSTROPHY, ISOLATED. Identifiers: MedGen C1843761, MONDO:0011852, OMIM 607523.
Transient bullous dermolysis of the newborn (TBDN). Also called: EPIDERMOLYSIS BULLOSA DYSTROPHICA, NEONATAL FORM; DYSTROPHIC EPIDERMOLYSIS BULLOSA, NEONATAL. Identifiers: Orphanet 79411, MedGen C1851573, MONDO:0007548, OMIM 131705.
Epidermolysis bullosa dystrophica. Also called: Dystrophic epidermolysis bullosa, Hallopeau-Siemens type (formerly); Dystrophic epidermolysis bullosa. Identifiers: Orphanet 303, MedGen C0079294, MONDO:0006543.

Allele frequency attached by ClinVar (database versions not stated): 1000 Genomes Project 30x 0.00141; 1000 Genomes Project 0.00160; TOPMed 0.00198; ESP Exome Variant Server 0.00223.
gnomAD v4.1: 3,476 of 1,613,558 alleles (0.22%); highest among the groups gnomAD compares: Middle Eastern, 0.3%; 6 homozygotes.

Submissions (14):

Labcorp Genetics (formerly Invitae), Labcorp
Classification: Benign. Last evaluated: 2026-02-04. Review status: criteria provided, single submitter. Criteria: Invitae Variant Classification Sherloc (09022015). Collection method: clinical testing. Allele origin: germline.

Mayo Clinic Laboratories, Mayo Clinic
Classification: Benign. Last evaluated: 2025-07-23. Review status: criteria provided, single submitter. Criteria: ACMG Guidelines, 2015. Collection method: clinical testing. Allele origin: germline. Observed: 1 variant allele.
Comment: BS1, BS2

Blueprint Genetics
Classification: Likely benign. Last evaluated: 2024-11-26. Review status: criteria provided, single submitter. Criteria: ACMG Guidelines, 2015. Collection method: clinical testing. Allele origin: germline.

CeGaT Center for Human Genetics Tuebingen
Classification: Likely benign. Last evaluated: 2023-04-01. Review status: criteria provided, single submitter. Criteria: CeGaT Center For Human Genetics Tuebingen Variant Classification Criteria Version 2. Collection method: clinical testing. Allele origin: germline. Affected: yes. Observed: 1 variant allele.
Comment: COL7A1: BS2

Fulgent Genetics
Classification: Likely benign for Transient bullous dermolysis of the newborn; Generalized dominant dystrophic epidermolysis bullosa; Pretibial dystrophic epidermolysis bullosa; Dominant dystrophic epidermolysis bullosa with absence of skin; Recessive dystrophic epidermolysis bullosa; Epidermolysis bullosa pruriginosa; Nonsyndromic congenital nail disorder 8. Last evaluated: 2022-05-02. Review status: criteria provided, single submitter. Criteria: ACMG Guidelines, 2015. Collection method: clinical testing. Allele origin: unknown.

Illumina Laboratory Services, Illumina
Classification: Likely benign for Dystrophic epidermolysis bullosa. Last evaluated: 2017-04-27. Review status: criteria provided, single submitter. Criteria: ICSL Variant Classification Criteria 13 December 2019. Collection method: clinical testing. Allele origin: germline.
Comment: This variant was observed as part of a predisposition screen in an ostensibly healthy population. A literature search was performed for the gene, cDNA change, and amino acid change (where applicable). No publications were found based on this search. Allele frequency data from public databases allowed determination this variant is unlikely to cause disease. Therefore, this variant is classified as likely benign.

Breakthrough Genomics
Classification: Likely benign. Review status: criteria provided, single submitter. Criteria: ACMG Guidelines, 2015. Collection method: not provided. Allele origin: germline. Inheritance: Autosomal recessive inheritance. Affected: yes.

PreventionGenetics, part of Exact Sciences
Classification: Likely benign for COL7A1-related condition. Last evaluated: 2023-12-26. Review status: no assertion criteria provided. Collection method: clinical testing. Allele origin: germline. Not counted in ClinVar's aggregate classification.
Comment: This variant is classified as likely benign based on ACMG/AMP sequence variant interpretation guidelines (Richards et al. 2015 PMID: 25741868, with internal and published modifications).

Natera, Inc.
Classification: Benign for Autosomal recessive epidermolysis bullosa dystrophica inversa. Last evaluated: 2020-09-16. Review status: no assertion criteria provided. Collection method: clinical testing. Allele origin: germline. Not counted in ClinVar's aggregate classification.

Dr. Peter K. Rogan Lab, Western University
No classification provided (evidence only). Condition: Melanoma. Review status: no classification provided. Collection method: in vitro. Allele origin: not applicable. Functional consequence: retained intron. Not counted in ClinVar's aggregate classification.

Dr. Peter K. Rogan Lab, Western University
No classification provided (evidence only). Condition: Uterine corpus endometrial carcinoma. Review status: no classification provided. Collection method: in vitro. Allele origin: not applicable. Functional consequence: retained intron. Not counted in ClinVar's aggregate classification.

Dr. Peter K. Rogan Lab, Western University
No classification provided (evidence only). Condition: Ovarian serous cystadenocarcinoma. Review status: no classification provided. Collection method: in vitro. Allele origin: not applicable. Functional consequence: retained intron. Not counted in ClinVar's aggregate classification.

Dr. Peter K. Rogan Lab, Western University
No classification provided (evidence only). Condition: Uterine carcinosarcoma. Review status: no classification provided. Collection method: in vitro. Allele origin: not applicable. Functional consequence: retained intron. Not counted in ClinVar's aggregate classification.

Dr. Peter K. Rogan Lab, Western University
No classification provided (evidence only). Condition: Malignant tumor of esophagus. Review status: no classification provided. Collection method: in vitro. Allele origin: not applicable. Functional consequence: skipped exon, retained intron. Not counted in ClinVar's aggregate classification.

Literature cited by the submitters: PubMed 19814614 (cited by Mayo Clinic Laboratories, Mayo Clinic).

NM_000094.4(COL7A1):c.7191C>A (p.Pro2397=)

Gene: COL7A1 (collagen type VII alpha 1 chain; minus strand). Cytogenetic location: 3p21.31.
Variant type: single nucleotide variant.
Coding change: c.7191C>A on transcript NM_000094.4 (MANE Select); coding-DNA position 7191, C replaced by A.
Protein change: p.Pro2397=; no amino-acid change (proline 2397 retained).
Molecular consequence: synonymous variant.
Genome position (GRCh38, 1-based): chr3:48,570,942, G>T on the plus strand (C>A on the coding strand, the complement: COL7A1 is on the minus strand). VCF-style: chr3-48570942-G-T. GRCh37 (hg19) VCF-style: chr3-48608375-G-T.
Other names: p.Pro2397=.
Identifiers: ClinVar variation 783308 (VCV000783308.45), dbSNP rs34360255, ClinGen allele CA2378608.